The following is an entry in ClinVar:

ClinVar aggregate classification (germline): Likely pathogenic (1 of 4 stars; one submission).

Conditions:
Medium-chain acyl-coenzyme A dehydrogenase deficiency (ACADMD). Also called: MCADH DEFICIENCY; ACADM DEFICIENCY; MCADD; MCAD Deficiency; CARNITINE DEFICIENCY SECONDARY TO MEDIUM-CHAIN ACYL-CoA DEHYDROGENASE DEFICIENCY; Medium chain acyl-CoA dehydrogenase deficiency. Identifiers: Orphanet 42, MedGen C0220710, MONDO:0008721, OMIM 201450.

Submission:

Labcorp Genetics (formerly Invitae), Labcorp
Classification: Likely pathogenic for Medium-chain acyl-coenzyme A dehydrogenase deficiency. Last evaluated: 2025-08-20. Review status: criteria provided, single submitter. Criteria: Invitae Variant Classification Sherloc (09022015). Collection method: clinical testing. Allele origin: germline.
Comment: This sequence change replaces glycine, which is neutral and non-polar, with glutamic acid, which is acidic and polar, at codon 195 of the ACADM protein (p.Gly195Glu). This variant is not present in population databases (gnomAD no frequency). This variant has not been reported in the literature in individuals affected with ACADM-related conditions. ClinVar contains an entry for this variant (Variation ID: 2112467). Invitae Evidence Modeling of protein sequence and biophysical properties (such as structural, functional, and spatial information, amino acid conservation, physicochemical variation, residue mobility, and thermodynamic stability) indicates that this missense variant is expected to disrupt ACADM protein function with a positive predictive value of 80%. This variant disrupts the p.Gly195 amino acid residue in ACADM. Other variant(s) that disrupt this residue have been determined to be pathogenic (PMID: 7603790, 16291504, 25940036). This suggests that this residue is clinically significant, and that variants that disrupt this residue are likely to be disease-causing. In summary, the currently available evidence indicates that the variant is pathogenic, but additional data are needed to prove that conclusively. Therefore, this variant has been classified as Likely Pathogenic.

Literature cited by the submitters: PubMed 7603790; PubMed 16291504; PubMed 25940036.

NM_000016.6(ACADM):c.584G>A (p.Gly195Glu)

Gene: ACADM (acyl-CoA dehydrogenase medium chain; plus strand). Cytogenetic location: 1p31.1.
Variant type: single nucleotide variant.
Coding change: c.584G>A on transcript NM_000016.6 (MANE Select); coding-DNA position 584, G replaced by A.
Protein change: p.Gly195Glu; replaces glycine 195 with glutamic acid.
Molecular consequence: missense variant.
Genome position (GRCh38, 1-based): chr1:75,740,095, G>A. VCF-style: chr1-75740095-G-A. GRCh37 (hg19) VCF-style: chr1-76205780-G-A.
Other names: c.596G>A, p.Gly199Glu (NM_001127328.3); c.476G>A, p.Gly159Glu (NM_001286042.2); c.683G>A, p.Gly228Glu (NM_001286043.2); c.17G>A, p.Gly6Glu (NM_001286044.2); short protein forms G159E, G195E, G199E, G6E, G228E.
Identifiers: ClinVar variation 2112467 (VCV002112467.4), dbSNP rs754219595, ClinGen allele CA340815428.
Genomic context (GRCh38, chr1:75,740,095, plus strand): 5'-AAGCAGAAAAGAAAGGAGATGAGTATATTATTAATGGTCAGAAGATGTGGATAACCAACG[G>A]AGGAAAAGCTAATTGGTATGTTGTTCAAAACATCTTTGTATATTTTTTCTTAATTGTTTT-3'
Protein context (NP_000007.1, residues 185-205): INGQKMWITN[Gly195Glu]GKANWYFLLA